The following is an entry in ClinVar:

ClinVar aggregate classification (germline): Uncertain significance (1 of 4 stars; one submission).

Allele frequency attached by ClinVar (database versions not stated): gnomAD exomes 0.00001; TOPMed 0.00001.
gnomAD v4.1: 9 of 1,614,134 alleles (0.00056%); highest among the groups gnomAD compares: Middle Eastern, 0.016%; no homozygotes.

Submission:

Labcorp Genetics (formerly Invitae), Labcorp
Classification: Uncertain significance. Last evaluated: 2022-08-23. Review status: criteria provided, single submitter. Criteria: Invitae Variant Classification Sherloc (09022015). Collection method: clinical testing. Allele origin: germline.
Comment: This sequence change replaces proline, which is neutral and non-polar, with serine, which is neutral and polar, at codon 496 of the DUOX2 protein (p.Pro496Ser). This variant is not present in population databases (gnomAD no frequency). This variant has not been reported in the literature in individuals affected with DUOX2-related conditions. ClinVar contains an entry for this variant (Variation ID: 1486109). Advanced modeling of protein sequence and biophysical properties (such as structural, functional, and spatial information, amino acid conservation, physicochemical variation, residue mobility, and thermodynamic stability) performed at Invitae indicates that this missense variant is not expected to disrupt DUOX2 protein function. In summary, the available evidence is currently insufficient to determine the role of this variant in disease. Therefore, it has been classified as a Variant of Uncertain Significance.

NM_001363711.2(DUOX2):c.1486C>T (p.Pro496Ser)

Gene: DUOX2 (dual oxidase 2; minus strand). Cytogenetic location: 15q21.1.
Variant type: single nucleotide variant.
Coding change: c.1486C>T on transcript NM_001363711.2 (MANE Select); coding-DNA position 1486, C replaced by T.
Protein change: p.Pro496Ser; replaces proline 496 with serine.
Molecular consequence: missense variant.
Genome position (GRCh38, 1-based): chr15:45,108,135, G>A on the plus strand (C>T on the coding strand, the complement: DUOX2 is on the minus strand). VCF-style: chr15-45108135-G-A. GRCh37 (hg19) VCF-style: chr15-45400333-G-A.
Other names: c.1486C>T, p.Pro496Ser (NM_014080.5); short protein forms P496S.
Identifiers: ClinVar variation 1486109 (VCV001486109.5), dbSNP rs1360030571, ClinGen allele CA392276528.
Genomic context (GRCh38, chr15:45,108,135, plus strand): 5'-GGTCACCATCCCGCAGCCGTACAAACTGGTCGAGGACAATGGCACTGAACAGGGGTCCAG[G>A]GTCCCCATGGCTCTCCAGGAGCCCCCCAAGGAGCAGCTCTAGCTGGGATAGGTCCTGGTT-3'
Protein context (NP_001350640.1, residues 486-506): LGGLLESHGD[Pro496Ser]GPLFSAIVLD